The following is an entry in ClinVar:

ClinVar aggregate classification (germline): Uncertain significance. Review status: criteria provided, multiple submitters, no conflicts (2 of 4 stars). 2 submissions from 2 submitters: Uncertain significance (2). Last evaluated 2025-10-02.

Conditions:
Inborn genetic diseases. Identifiers: MedGen C0950123, MeSH D030342.
Methylcobalamin deficiency type cblG (HMAG). Also called: HOMOCYSTINURIA-MEGALOBLASTIC ANEMIA DUE TO DEFECT IN COBALAMIN METABOLISM, cblG COMPLEMENTATION TYPE; HOMOCYSTINURIA-MEGALOBLASTIC ANEMIA, cblG COMPLEMENTATION TYPE; Functional methionine synthase deficiency type cblG; HOMOCYSTINURIA-MEGALOBLASTIC ANEMIA, cblG TYPE. Identifiers: Orphanet 2170, Orphanet 622, MedGen C1855128, MONDO:0009609, OMIM 250940.

Allele frequency attached by ClinVar (database versions not stated): gnomAD 0.00001.
gnomAD v4.1: 10 of 1,613,610 alleles (0.00062%); highest among the groups gnomAD compares: Non-Finnish European, 0.00085%; no homozygotes.

Submissions (2):

Labcorp Genetics (formerly Invitae), Labcorp
Classification: Uncertain significance for Methylcobalamin deficiency type cblG. Last evaluated: 2025-10-02. Review status: criteria provided, single submitter. Criteria: Invitae Variant Classification Sherloc (09022015). Collection method: clinical testing. Allele origin: germline.
Comment: This sequence change replaces methionine, which is neutral and non-polar, with valine, which is neutral and non-polar, at codon 303 of the MTR protein (p.Met303Val). This variant is present in population databases (no rsID available, gnomAD 0.007%). This variant has not been reported in the literature in individuals affected with MTR-related conditions. ClinVar contains an entry for this variant (Variation ID: 2404849). Invitae Evidence Modeling of protein sequence and biophysical properties (such as structural, functional, and spatial information, amino acid conservation, physicochemical variation, residue mobility, and thermodynamic stability) indicates that this missense variant is not expected to disrupt MTR protein function with a negative predictive value of 95%. In summary, the available evidence is currently insufficient to determine the role of this variant in disease. Therefore, it has been classified as a Variant of Uncertain Significance.

Ambry Genetics
Classification: Uncertain significance for Inborn genetic diseases. Last evaluated: 2022-01-10. Review status: criteria provided, single submitter. Criteria: Ambry Variant Classification Scheme 2023. Collection method: clinical testing. Allele origin: germline.

NM_000254.3(MTR):c.907A>G (p.Met303Val)

Gene: MTR (5-methyltetrahydrofolate-homocysteine methyltransferase; plus strand). Cytogenetic location: 1q43.
Variant type: single nucleotide variant.
Coding change: c.907A>G on transcript NM_000254.3 (MANE Select); coding-DNA position 907, A replaced by G.
Protein change: p.Met303Val; replaces methionine 303 with valine.
Molecular consequence: missense variant. On other transcripts: 5 prime UTR variant (1).
Genome position (GRCh38, 1-based): chr1:236,825,379, A>G. VCF-style: chr1-236825379-A-G. GRCh37 (hg19) VCF-style: chr1-236988679-A-G.
Other names: c.907A>G, p.Met303Val (NM_001291939.1, NM_001410942.1); c.-202A>G (NM_001291940.2); short protein forms M303V.
Identifiers: ClinVar variation 2404849 (VCV002404849.5), dbSNP rs1204270455, ClinGen allele CA345389601.
Genomic context (GRCh38, chr1:236,825,379, plus strand): 5'-TTGAATTATCCTTTCTCAGGTCTTCCCAACACCTTTGGTGACTATGATGAAACGCCTTCT[A>G]TGATGGCCAAGCACCTAAAGGTCAGGGGTCCCCCTTTCACTGGCTTTTTAAGAGAGACAG-3'
Protein context (NP_000245.2, residues 293-313): TFGDYDETPS[Met303Val]MAKHLKDFAM